The following is an entry in ClinVar:

NM_004958.4(MTOR):c.229A>G (p.Ser77Gly)

Gene: MTOR (mechanistic target of rapamycin kinase; minus strand). Cytogenetic location: 1p36.22.
Variant type: single nucleotide variant.
Coding change: c.229A>G on transcript NM_004958.4 (MANE Select); coding-DNA position 229, A replaced by G.
Protein change: p.Ser77Gly; replaces serine 77 with glycine.
Molecular consequence: missense variant. On other transcripts: 5 prime UTR variant (1).
Genome position (GRCh38, 1-based): chr1:11,258,527, T>C on the plus strand (A>G on the coding strand, the complement: MTOR is on the minus strand). VCF-style: chr1-11258527-T-C. GRCh37 (hg19) VCF-style: chr1-11318584-T-C.
Other names: c.229A>G, p.Ser77Gly (NM_001386500.1); c.-911A>G (NM_001386501.1); short protein forms S77G.
Identifiers: ClinVar variation 1310458 (VCV001310458.2), dbSNP rs2100984049, ClinGen allele CA338404778.

ClinVar aggregate classification (germline): Uncertain significance (1 of 4 stars; one submission).

Submission:

GeneDx
Classification: Uncertain significance. Last evaluated: 2019-11-26. Review status: criteria provided, single submitter. Criteria: GeneDx Variant Classification Process June 2021. Collection method: clinical testing. Allele origin: germline. Affected: yes.
Comment: Not observed in large population cohorts (Lek et al., 2016); In silico analysis, which includes protein predictors and evolutionary conservation, supports a deleterious effect; Has not been previously published as pathogenic or benign to our knowledge